The following is an entry in ClinVar:

NM_000551.4(VHL):c.340+651C>T

Genes: VHL (von Hippel-Lindau tumor suppressor; plus strand), LOC107303340 (3p25 von Hippel-Lindau tumor suppressor, E3 ubiquitin protein ligase Alu-mediated recombination region; plus strand). Cytogenetic location: 3p25.3.
Variant type: single nucleotide variant.
Coding change: c.340+651C>T on transcript NM_000551.4 (MANE Select); 651 bases into the intron after coding-DNA position 340, C replaced by T.
Molecular consequence: intron variant. On other transcripts: missense variant (1).
Genome position (GRCh38, 1-based): chr3:10,142,838, C>T. VCF-style: chr3-10142838-C-T. GRCh37 (hg19) VCF-style: chr3-10184522-C-T.
Other names: c.416C>T, p.Thr139Ile (NM_001354723.2); c.340+651C>T (NM_198156.3); short protein forms T139I.
Identifiers: ClinVar variation 998867 (VCV000998867.9), dbSNP rs1251375973, ClinGen allele CA896160246.

ClinVar aggregate classification (germline): Uncertain significance (1 of 4 stars; one submission).

Conditions:
Chuvash polycythemia. Also called: POLYCYTHEMIA, VHL-DEPENDENT. Identifiers: Orphanet 238557, MedGen C1837915, MONDO:0009892, OMIM 263400.
Von Hippel-Lindau syndrome (VHLS). Also called: VHL syndrome; Von Hippel-Lindau; von Hippel–Lindau syndrome. Identifiers: Orphanet 892, MedGen C0019562, MONDO:0008667, OMIM 193300. Disease mechanism: loss of function.

Allele frequency attached by ClinVar (database versions not stated): TOPMed below 0.00001.

Submission:

Labcorp Genetics (formerly Invitae), Labcorp
Classification: Uncertain significance for Von Hippel-Lindau syndrome; Chuvash polycythemia. Last evaluated: 2024-04-23. Review status: criteria provided, single submitter. Criteria: Invitae Variant Classification Sherloc (09022015). Collection method: clinical testing. Allele origin: germline.
Comment: This sequence change falls in intron 1 of the VHL gene. It is not expected to change the encoded amino acid sequence of the VHL protein. However, this sequence change falls within a cryptic exon in the VHL gene, known as exon E1’, which is naturally expressed at low levels in several human tissues (PMID: 29891534). This variant is not present in population databases (gnomAD no frequency). This variant has not been reported in the literature in individuals affected with VHL-related conditions. ClinVar contains an entry for this variant (Variation ID: 998867). Experimental studies and prediction algorithms are not available or were not evaluated, and the functional significance of this variant is currently unknown. Algorithms developed to predict the effect of sequence changes on RNA splicing suggest that this variant is not likely to affect RNA splicing. In summary, the available evidence is currently insufficient to determine the role of this variant in disease. Therefore, it has been classified as a Variant of Uncertain Significance.

Literature cited by the submitters: PubMed 29891534.